The following is an entry in ClinVar:

ClinVar aggregate classification (germline): Likely benign (1 of 4 stars; one submission).

Conditions:
Leigh syndrome (NULS). Also called: Leigh's necrotizing encephalopathy; Leigh's disease; Leigh Syndrome (mtDNA deletion); Leigh Disease; Subacute necrotizing encephalopathy; Necrotizing encephalopathy infantile subacute of Leigh. Identifiers: Orphanet 506, MedGen C2931891, MONDO:0009723, OMIM 256000.

Submission:

Wong Mito Lab, Molecular and Human Genetics, Baylor College of Medicine
Classification: Likely benign for Leigh syndrome. Last evaluated: 2019-10-17. Review status: criteria provided, single submitter. Criteria: Modified ACMG Guidelines (Unpublished). Collection method: clinical testing. Allele origin: germline.
Comment: The NC_012920.1:m.12730G>A (YP_003024036.1:p.Val132Ile) variant in MTND5 gene is interpretated to be a Likely Benign variant based on the modified ACMG guidelines (unpublished). This variant meets the following evidence codes: BS1, BP4

NC_012920.1(MT-ND5):m.12730G>A (p.Val132Ile)

Gene: MT-ND5 (mitochondrially encoded NADH dehydrogenase 5; plus strand).
Variant type: single nucleotide variant.
Genome position: chrM-12730-G-A.
Other names: short protein forms V132I.
Identifiers: ClinVar variation 693479 (VCV000693479.1), dbSNP rs1603223879, ClinGen allele CA414814581.